The following is an entry in ClinVar:

ClinVar aggregate classification (germline): Pathogenic. Review status: criteria provided, single submitter (1 of 4 stars). 3 submissions from 3 submitters: Pathogenic (1). 2 of the submissions do not count toward it. Last evaluated 2022-01-03.

Conditions:
Hereditary cancer-predisposing syndrome. Also called: Tumor predisposition; Hereditary neoplastic syndrome; Neoplastic Syndromes, Hereditary; Hereditary Cancer Syndrome. Identifiers: Orphanet 140162, MedGen C0027672, MeSH D009386, MONDO:0015356.
Lynch-like syndrome.
Ovarian neoplasm. Also called: Ovarian tumor; Ovarian Neoplasms; Neoplasm of ovary. Identifiers: MedGen C0919267, MeSH D010051, MONDO:0021068, HP:0100615.

Submissions (3):

Ambry Genetics
Classification: Pathogenic for Hereditary cancer-predisposing syndrome. Last evaluated: 2022-01-03. Review status: criteria provided, single submitter. Criteria: Ambry Variant Classification Scheme 2023. Collection method: clinical testing. Allele origin: germline.
Comment: The p.E946* pathogenic mutation (also known as c.2836G>T), located in coding exon 4 of the MSH6 gene, results from a G to T substitution at nucleotide position 2836. This changes the amino acid from a glutamic acid to a stop codon within coding exon 4. This alteration is expected to result in loss of function by premature protein truncation or nonsense-mediated mRNA decay. As such, this alteration is interpreted as a disease-causing mutation.

Constitutional Genetics Lab, Leon Berard Cancer Center
Classification: Pathogenic for Lynch-like syndrome. Last evaluated: 2019-07-01. Review status: no assertion criteria provided. Collection method: clinical testing. Allele origin: somatic. Affected: yes. Not counted in ClinVar's aggregate classification.

German Consortium for Hereditary Breast and Ovarian Cancer, University Hospital Cologne
Classification: Pathogenic for Ovarian neoplasm. Last evaluated: 2018-12-01. Review status: no assertion criteria provided. Collection method: research. Allele origin: somatic. Affected: yes. Not counted in ClinVar's aggregate classification.

NM_000179.3(MSH6):c.2836G>T (p.Glu946Ter)

Gene: MSH6 (mutS homolog 6; plus strand). Cytogenetic location: 2p16.3.
Variant type: single nucleotide variant.
Coding change: c.2836G>T on transcript NM_000179.3 (MANE Select); coding-DNA position 2836, G replaced by T.
Protein change: p.Glu946Ter; replaces glutamic acid 946 with a stop codon.
Molecular consequence: nonsense.
Genome position (GRCh38, 1-based): chr2:47,800,819, G>T. VCF-style: chr2-47800819-G-T. GRCh37 (hg19) VCF-style: chr2-48027958-G-T.
Other names: c.2446G>T, p.Glu816Ter (NM_001281492.2); c.1930G>T, p.Glu644Ter (NM_001281493.2, NM_001281494.2); short protein forms E946*, E816*, E644*.
Identifiers: ClinVar variation 634725 (VCV000634725.5), dbSNP rs1558666905, ClinGen allele CA346755759.
Genomic context (GRCh38, chr2:47,800,819, plus strand): 5'-CTTATTACTCCCAAAGCAGGCTTTGACTCTGATTATGACCAAGCTCTTGCTGACATAAGA[G>T]AAAATGAACAGAGCCTCCTGGAATACCTAGAGAAACAGCGCAACAGAATTGGCTGTAGGA-3'